The following is an entry in ClinVar:

NM_001378457.1(DMXL2):c.1248dup (p.Lys417Ter)

Gene: DMXL2 (Dmx like 2; minus strand). Cytogenetic location: 15q21.2.
Variant type: Duplication.
Coding change: c.1248dup on transcript NM_001378457.1 (MANE Select); coding-DNA position 1248, one base duplicated (T; older notation c.1248dupT).
Protein change: p.Lys417Ter; replaces lysine 417 with a stop codon.
Molecular consequence: nonsense. On other transcripts: non-coding transcript variant (2), intron variant (1).
Genome position (GRCh38, 1-based): chr15:51,538,310, A duplicated on the plus strand (T on the coding strand, the reverse complement: DMXL2 is on the minus strand). VCF-style (leftmost placement, unchanged base first): chr15-51538309-T-TA. GRCh37 (hg19) VCF-style: chr15-51830506-T-TA.
Other names: c.1248dup, p.Lys417Ter (NM_001174116.3, NM_001174117.3, NM_001378458.1 and 6 more transcripts); c.1106-551dup (NM_001378464.1); short protein forms K417*.
Identifiers: ClinVar variation 4886491 (VCV004886491.2).
Genomic context (GRCh38, chr15:51,538,309, plus strand): 5'-CCTCCTGTGAATGTTCCTCATCTTCTCTATCTGCATCATCATTTTCATGATCTACCTGCT[T>TA]ATCAGAAAGTTTTCGTAATTGATGCATAAATACTTCTGTAGATGATGTAAAATGAAATTC-3'

ClinVar aggregate classification (germline): Likely pathogenic (1 of 4 stars; one submission).

Submission:

Dasa
Classification: Likely pathogenic. Last evaluated: 2024-10-28. Review status: criteria provided, single submitter. Criteria: DASA Assertion Criteria. Collection method: clinical testing. Allele origin: germline.
Comment: NM_001378457.1(DMXL2):c.1248dup (p.Lys417*) is a nonsense variant in DMXL2 predicted to introduce a premature termination codon and is predicted to result in an absent or altered protein product. Loss of function is an established disease mechanism for DMXL2-associated disorders. Also, this variant is absent from population databases. Based on the currently available evidence, this variant is classified as likely pathogenic.